The following is an entry in ClinVar:

NC_000006.11:g.(?_109765394)_(109798153_?)del

Genes: MICAL1 (microtubule associated monooxygenase, calponin and LIM domain containing 1; minus strand), ZBTB24 (zinc finger and BTB domain containing 24; minus strand). Cytogenetic location: 6q21.
Variant type: Deletion.
Identifiers: ClinVar variation 3246029 (VCV003246029.1).

ClinVar aggregate classification (germline): Pathogenic (1 of 4 stars; one submission).

Conditions:
Immunodeficiency-centromeric instability-facial anomalies syndrome 2 (ICF2). Identifiers: Orphanet 2268, MedGen C3279748, MONDO:0013553, OMIM 614069.

Submission:

Labcorp Genetics (formerly Invitae), Labcorp
Classification: Pathogenic for Immunodeficiency-centromeric instability-facial anomalies syndrome 2. Last evaluated: 2023-10-18. Review status: criteria provided, single submitter. Criteria: Invitae Variant Classification Sherloc (09022015). Collection method: clinical testing. Allele origin: unknown.
Comment: This variant is a gross deletion of the genomic region encompassing exon(s) 3-7 of the ZBTB24 gene, which includes the termination codon. This deletion extends beyond the assayed region for this gene and therefore may encompass additional genes. While this deletion is not anticipated to lead to nonsense mediated decay, it is expected to alter mRNA translation or result in a truncated protein product. This variant has not been reported in the literature in individuals affected with ZBTB24-related conditions. This variant disrupts a region of the ZBTB24 protein in which other variant(s) (p.Gln498Valfs*15) have been determined to be pathogenic (PMID: 29023266, 30511102, 31130284). This suggests that this is a clinically significant region of the protein, and that variants that disrupt it are likely to be disease-causing. For these reasons, this variant has been classified as Pathogenic.

Literature cited by the submitters: PubMed 29023266; PubMed 30511102; PubMed 31130284.